The following is an entry in ClinVar:

NM_002471.4(MYH6):c.3342+5del

Gene: MYH6 (myosin heavy chain 6; minus strand). Cytogenetic location: 14q11.2.
Variant type: Deletion.
Coding change: c.3342+5del on transcript NM_002471.4 (MANE Select); 5 bases into the intron after coding-DNA position 3342, one base deleted (C; older notation c.3342+5delC).
Molecular consequence: intron variant.
Genome position (GRCh38, 1-based): chr14:23,392,557, G deleted on the plus strand (C on the coding strand, the reverse complement: MYH6 is on the minus strand). VCF-style (leftmost placement, unchanged base first): chr14-23392556-AG-A. GRCh37 (hg19) VCF-style: chr14-23861765-AG-A.
Identifiers: ClinVar variation 3400856 (VCV003400856.3).

ClinVar aggregate classification (germline): Uncertain significance. Review status: criteria provided, multiple submitters, no conflicts (2 of 4 stars). 2 submissions from 2 submitters: Uncertain significance (2). Last evaluated 2025-01-30.

Conditions:
Hypertrophic cardiomyopathy 14. Identifiers: MedGen C2750467, MONDO:0013197, OMIM 613251.
Cardiovascular phenotype. Identifiers: MedGen CN230736.

Submissions (2):

Labcorp Genetics (formerly Invitae), Labcorp
Classification: Uncertain significance for Hypertrophic cardiomyopathy 14. Last evaluated: 2025-01-30. Review status: criteria provided, single submitter. Criteria: Invitae Variant Classification Sherloc (09022015). Collection method: clinical testing. Allele origin: germline.
Comment: This sequence change falls in intron 25 of the MYH6 gene. It does not directly change the encoded amino acid sequence of the MYH6 protein. It affects a nucleotide within the consensus splice site. This variant is not present in population databases (gnomAD no frequency). This variant has not been reported in the literature in individuals affected with MYH6-related conditions. ClinVar contains an entry for this variant (Variation ID: 3400856). Variants that disrupt the consensus splice site are a relatively common cause of aberrant splicing (PMID: 17576681, 9536098). Algorithms developed to predict the effect of sequence changes on RNA splicing suggest that this variant is not likely to affect RNA splicing. In summary, the available evidence is currently insufficient to determine the role of this variant in disease. Therefore, it has been classified as a Variant of Uncertain Significance.

Ambry Genetics
Classification: Uncertain significance for Cardiovascular phenotype. Last evaluated: 2024-10-25. Review status: criteria provided, single submitter. Criteria: Ambry Variant Classification Scheme 2023. Collection method: clinical testing. Allele origin: germline.
Comment: The c.3342+5delC intronic variant is located 5 nucleotides after coding exon 23 of the MYH6 gene. This variant results from a deletion of one nucleotide at position c.3342+5. This nucleotide position is poorly conserved in available vertebrate species. In silico splice site analysis predicts that this alteration will not have any significant effect on splicing. Based on the available evidence, the clinical significance of this variant remains unclear.

Literature cited by the submitters: PubMed 17576681 (cited by Labcorp Genetics (formerly Invitae), Labcorp); PubMed 9536098 (cited by Labcorp Genetics (formerly Invitae), Labcorp).